The following is an entry in ClinVar:

ClinVar aggregate classification (germline): Uncertain significance (1 of 4 stars; one submission).

Conditions:
Fanconi anemia (FA). Also called: Fanconi's anemia. Identifiers: Orphanet 84, MedGen C0015625, MeSH D005199, MONDO:0019391.

Submission:

Labcorp Genetics (formerly Invitae), Labcorp
Classification: Uncertain significance for Fanconi anemia. Last evaluated: 2022-02-28. Review status: criteria provided, single submitter. Criteria: Invitae Variant Classification Sherloc (09022015). Collection method: clinical testing. Allele origin: germline.
Comment: In summary, the available evidence is currently insufficient to determine the role of this variant in disease. Therefore, it has been classified as a Variant of Uncertain Significance. Algorithms developed to predict the effect of missense changes on protein structure and function are either unavailable or do not agree on the potential impact of this missense change (SIFT: "Not Available"; PolyPhen-2: "Benign"; Align-GVGD: "Not Available"). This variant has not been reported in the literature in individuals affected with SLX4-related conditions. Information on the frequency of this variant in the gnomAD database is not available, as this variant may be reported differently in the database. This sequence change replaces alanine, which is neutral and non-polar, with leucine, which is neutral and non-polar, at codon 1221 of the SLX4 protein (p.Ala1221Leu).

NM_032444.4(SLX4):c.3661_3662delinsTT (p.Ala1221Leu)

Gene: SLX4 (SLX4 structure-specific endonuclease subunit; minus strand). Cytogenetic location: 16p13.3.
Variant type: Indel.
Coding change: c.3661_3662delinsTT on transcript NM_032444.4 (MANE Select); coding-DNA positions 3661 to 3662, GC replaced by TT.
Protein change: p.Ala1221Leu; replaces alanine 1221 with leucine.
Molecular consequence: missense variant.
Genome position (GRCh38, 1-based): chr16:3,589,976-3,589,977, GC replaced by AA on the plus strand (GC replaced by TT on the coding strand, the reverse complement: SLX4 is on the minus strand). VCF-style: chr16-3589976-GC-AA. GRCh37 (hg19) VCF-style: chr16-3639977-GC-AA.
Other names: short protein forms A1221L.
Identifiers: ClinVar variation 2104668 (VCV002104668.4), dbSNP rs2548212448, ClinGen allele CA2580091190.